The following is an entry in ClinVar:

NM_080605.4(B3GALT6):c.490_518dup (p.Glu174fs)

Gene: B3GALT6 (beta-1,3-galactosyltransferase 6; plus strand). Cytogenetic location: 1p36.33.
Variant type: Duplication.
Coding change: c.490_518dup on transcript NM_080605.4 (MANE Select); coding-DNA positions 490 to 518, 29 bases duplicated (GACGCGCTGCTGGCCGAGCTGCGCGCCCG).
Protein change: p.Glu174fs; shifts the reading frame from glutamic acid 174.
Molecular consequence: frameshift variant.
Genome position (GRCh38, 1-based): chr1:1,232,768-1,232,796, GACGCGCTGCTGGCCGAGCTGCGCGCCCG duplicated; duplicating any 29 consecutive bases within chr1:1,232,767-1,232,796 gives the same sequence; the c. name uses the placement nearest the transcript's 3' end. VCF-style (leftmost placement, unchanged base first): chr1-1232766-T-TGGACGCGCTGCTGGCCGAGCTGCGCGCCC. GRCh37 (hg19) VCF-style: chr1-1168146-T-TGGACGCGCTGCTGGCCGAGCTGCGCGCCC.
Other names: short protein forms E174fs.
Identifiers: ClinVar variation 1432546 (VCV001432546.5), dbSNP rs2100993997, ClinGen allele CA2573130696.

ClinVar aggregate classification (germline): Uncertain significance (1 of 4 stars; one submission).

Conditions:
Ehlers-Danlos syndrome, spondylodysplastic type, 2 (EDSSPD2). Also called: Ehlers-Danlos syndrome, progeroid type, 2. Identifiers: Orphanet 536467, Orphanet 75496, MedGen C3809210, MONDO:0014139, OMIM 615349.
Spondyloepimetaphyseal dysplasia with joint laxity (SEMDJL). Identifiers: MedGen C0432243, MONDO:0019675.

Submission:

Labcorp Genetics (formerly Invitae), Labcorp
Classification: Uncertain significance for Ehlers-Danlos syndrome, spondylodysplastic type, 2; Spondyloepimetaphyseal dysplasia with joint laxity. Last evaluated: 2021-06-23. Review status: criteria provided, single submitter. Criteria: Invitae Variant Classification Sherloc (09022015). Collection method: clinical testing. Allele origin: germline.
Comment: In summary, the available evidence is currently insufficient to determine the role of this variant in disease. Therefore, it has been classified as a Variant of Uncertain Significance. Experimental studies and prediction algorithms are not available or were not evaluated, and the functional significance of this variant is currently unknown. This variant has not been reported in the literature in individuals affected with B3GALT6-related conditions. This variant is not present in population databases (ExAC no frequency). This sequence change creates a premature translational stop signal (p.Glu174Thrfs*114) in the B3GALT6 gene. While this is not anticipated to result in nonsense mediated decay, it is expected to disrupt the last 156 amino acid(s) of the B3GALT6 protein.